The following is an entry in ClinVar:

ClinVar aggregate classification (germline): Uncertain significance (1 of 4 stars; one submission).

Conditions:
Regional enteritis. Also called: Enteritis, Granulomatous. Identifiers: MedGen C0678202, MeSH D003424.
Blau syndrome (BLAUS). Also called: ARTHROCUTANEOUVEAL GRANULOMATOSIS; GRANULOMATOSIS, FAMILIAL JUVENILE SYSTEMIC; GRANULOMATOSIS, FAMILIAL, BLAU TYPE; GRANULOMATOUS INFLAMMATORY ARTHRITIS, DERMATITIS, AND UVEITIS, FAMILIAL; JABS SYNDROME. Identifiers: Orphanet 90340, MedGen C5201146, MONDO:0008523, OMIM 186580.

gnomAD v4.1: 1 of 1,559,574 alleles (0.000064%); no homozygotes.

Submission:

Labcorp Genetics (formerly Invitae), Labcorp
Classification: Uncertain significance for Regional enteritis; Blau syndrome. Last evaluated: 2025-05-22. Review status: criteria provided, single submitter. Criteria: Invitae Variant Classification Sherloc (09022015). Collection method: clinical testing. Allele origin: germline.
Comment: This sequence change replaces alanine, which is neutral and non-polar, with aspartic acid, which is acidic and polar, at codon 8 of the NOD2 protein (p.Ala8Asp). This variant is not present in population databases (gnomAD no frequency). This variant has not been reported in the literature in individuals affected with NOD2-related conditions. An algorithm developed to predict the effect of missense changes on protein structure and function outputs the following: PolyPhen-2: "Benign". The aspartic acid amino acid residue is found in multiple mammalian species, which suggests that this missense change does not adversely affect protein function. In summary, the available evidence is currently insufficient to determine the role of this variant in disease. Therefore, it has been classified as a Variant of Uncertain Significance.

NM_001370466.1(NOD2):c.-8-2222C>A

Gene: NOD2 (nucleotide binding oligomerization domain containing 2; plus strand). Cytogenetic location: 16q12.1.
Variant type: single nucleotide variant.
Coding change: c.-8-2222C>A on transcript NM_001370466.1 (MANE Select); 2222 bases into the intron before 8 bases upstream of the start codon, C replaced by A.
Molecular consequence: intron variant. On other transcripts: missense variant (1).
Genome position (GRCh38, 1-based): chr16:50,697,266, C>A. VCF-style: chr16-50697266-C-A. GRCh37 (hg19) VCF-style: chr16-50731177-C-A.
Other names: c.23C>A, p.Ala8Asp (NM_022162.3); short protein forms A8D.
Identifiers: ClinVar variation 4789546 (VCV004789546.1).